The following is an entry in ClinVar:

ClinVar aggregate classification (germline): Conflicting classifications of pathogenicity. Review status: criteria provided, conflicting classifications (1 of 4 stars). 2 submissions from 2 submitters: Uncertain significance (1); Likely benign (1). Last evaluated 2025-12-08.

Allele frequency attached by ClinVar (database versions not stated): gnomAD 0.00004; ExAC 0.00005; TOPMed 0.00006; gnomAD exomes 0.00002 and 0.00005.
gnomAD v4.1: 28 of 1,609,922 alleles (0.0017%); highest among the groups gnomAD compares: East Asian, 0.051%; no homozygotes.

Submissions (2):

Labcorp Genetics (formerly Invitae), Labcorp
Classification: Likely benign. Last evaluated: 2025-12-08. Review status: criteria provided, single submitter. Criteria: Invitae Variant Classification Sherloc (09022015). Collection method: clinical testing. Allele origin: germline.

GeneDx
Classification: Uncertain significance. Last evaluated: 2022-03-11. Review status: criteria provided, single submitter. Criteria: GeneDx Variant Classification Process June 2021. Collection method: clinical testing. Allele origin: germline. Affected: yes.
Comment: In silico analysis supports that this missense variant does not alter protein structure/function; Has not been previously published as pathogenic or benign to our knowledge

NM_194248.3(OTOF):c.302T>C (p.Ile101Thr)

Gene: OTOF (otoferlin; minus strand). Cytogenetic location: 2p23.3.
Variant type: single nucleotide variant.
Coding change: c.302T>C on transcript NM_194248.3 (MANE Select); coding-DNA position 302, T replaced by C.
Protein change: p.Ile101Thr; replaces isoleucine 101 with threonine.
Molecular consequence: missense variant.
Genome position (GRCh38, 1-based): chr2:26,519,035, A>G on the plus strand (T>C on the coding strand, the complement: OTOF is on the minus strand). VCF-style: chr2-26519035-A-G. GRCh37 (hg19) VCF-style: chr2-26741903-A-G.
Other names: c.302T>C, p.Ile101Thr (NM_001287489.2); short protein forms I101T.
Identifiers: ClinVar variation 1343839 (VCV001343839.5), dbSNP rs754508360, ClinGen allele CA1564727.